The following is an entry in ClinVar:

NM_001267550.2(TTN):c.29914C>T (p.Arg9972Ter)

Gene: TTN (titin; minus strand). Cytogenetic location: 2q31.2.
Variant type: single nucleotide variant.
Coding change: c.29914C>T on transcript NM_001267550.2 (MANE Select); coding-DNA position 29914, C replaced by T.
Protein change: p.Arg9972Ter; replaces arginine 9972 with a stop codon.
Molecular consequence: nonsense. On other transcripts: intron variant (3).
Genome position (GRCh38, 1-based): chr2:178,704,558, G>A on the plus strand (C>T on the coding strand, the complement: TTN is on the minus strand). VCF-style: chr2-178704558-G-A. GRCh37 (hg19) VCF-style: chr2-179569285-G-A.
Other names: c.28963C>T, p.Arg9655Ter (NM_001256850.1); c.26182C>T, p.Arg8728Ter (NM_133378.4); c.13282+33524C>T (NM_003319.4); c.13858+33524C>T (NM_133437.4); c.13657+33524C>T (NM_133432.3); short protein forms R8728*, R9972*, R9655*.
Identifiers: ClinVar variation 2935032 (VCV002935032.3), dbSNP rs1319501039, ClinGen allele CA349577098.

ClinVar aggregate classification (germline): Likely pathogenic (1 of 4 stars; one submission).

Conditions:
Dilated cardiomyopathy 1G (CMD1G). Identifiers: Orphanet 154, MedGen C1858763, MONDO:0011400, OMIM 604145.
Autosomal recessive limb-girdle muscular dystrophy type 2J (LGMDR10). Also called: Limb-girdle muscular dystrophy, type 2J; MUSCULAR DYSTROPHY, LIMB-GIRDLE, AUTOSOMAL RECESSIVE 10. Identifiers: Orphanet 140922, MedGen C1837342, MONDO:0012127, OMIM 608807.

gnomAD v4.1: 1 of 1,613,286 alleles (0.000062%); no homozygotes.

Submission:

Labcorp Genetics (formerly Invitae), Labcorp
Classification: Likely pathogenic for Dilated cardiomyopathy 1G; Autosomal recessive limb-girdle muscular dystrophy type 2J. Last evaluated: 2024-10-30. Review status: criteria provided, single submitter. Criteria: Invitae Variant Classification Sherloc (09022015). Collection method: clinical testing. Allele origin: germline.
Comment: This sequence change creates a premature translational stop signal (p.Arg9972*) in the TTN gene. While this is not anticipated to result in nonsense mediated decay, it is expected to create a truncated TTN protein. This variant is present in population databases (no rsID available, gnomAD 0.01%). This variant has not been reported in the literature in individuals affected with TTN-related conditions. ClinVar contains an entry for this variant (Variation ID: 2935032). Algorithms developed to predict the effect of sequence changes on RNA splicing suggest that this variant may disrupt the consensus splice site. This variant is located in the I band of TTN (PMID: 25589632). Truncating variants in this region have been reported in individuals affected with autosomal recessive centronuclear myopathy (PMID: 23975875, internal data). Truncating variants in this region have also been identified in individuals affected with autosomal dominant dilated cardiomyopathy and/or cardio-related conditions (PMID: 27869827, 32964742, internal data). In summary, the currently available evidence indicates that the variant is pathogenic, but additional data are needed to prove that conclusively. Therefore, this variant has been classified as Likely Pathogenic.

Literature cited by the submitters: PubMed 25589632; PubMed 23975875; PubMed 27869827; PubMed 32964742.